The following is an entry in ClinVar:

NM_002470.4(MYH3):c.690C>G (p.Ala230=)

Gene: MYH3 (myosin heavy chain 3; minus strand). Cytogenetic location: 17p13.1.
Variant type: single nucleotide variant.
Coding change: c.690C>G on transcript NM_002470.4 (MANE Select); coding-DNA position 690, C replaced by G.
Protein change: p.Ala230=; no amino-acid change (alanine 230 retained).
Molecular consequence: synonymous variant.
Genome position (GRCh38, 1-based): chr17:10,648,602, G>C on the plus strand (C>G on the coding strand, the complement: MYH3 is on the minus strand). VCF-style: chr17-10648602-G-C. GRCh37 (hg19) VCF-style: chr17-10551919-G-C.
Identifiers: ClinVar variation 258703 (VCV000258703.47), dbSNP rs147148934, ClinGen allele CA8393185.
Genomic context (GRCh38, chr17:10,648,602, plus strand): 5'-CAAACTCAGACTCACAAAACGGGAGGAGTTGTCATTCCTCACAGTCTTGGCGTTCCCAAA[G>C]GCCTCCAGCAGGGGATTGGCACTGATGATTTGATCTTCCAGAGTCCCCTAATGCAAGAAA-3'
Protein context (NP_002461.2, residues 220-240): QIISANPLLE[Ala230=]FGNAKTVRND

ClinVar aggregate classification (germline): Benign/Likely benign. Review status: criteria provided, multiple submitters, no conflicts (2 of 4 stars). 9 submissions from 8 submitters: Benign (3); Likely benign (4). 2 of the submissions do not count toward it. Last evaluated 2026-07-01.

Conditions:
Freeman-Sheldon syndrome (DA2A). Also called: WHISTLING FACE-WINDMILL VANE HAND SYNDROME; Arthrogryposis, distal, type 2A (Freeman-Sheldon); CRANIOCARPOTARSAL DYSPLASIA; CRANIOCARPOTARSAL DYSTROPHY. Identifiers: Orphanet 2053, MedGen C0265224, MONDO:0008675, OMIM 193700.
Distal arthrogryposis type 2B1 (DA2B1). Also called: Arthrogryposis multiplex congenita distal type II with craniofacial abnormalities. Identifiers: Orphanet 1147, MedGen C5193014, MONDO:0020820, OMIM 601680.

Allele frequency attached by ClinVar (database versions not stated): 1000 Genomes Project 0.00319; 1000 Genomes Project 30x 0.00359; ESP Exome Variant Server 0.00392; gnomAD 0.00421 and 0.00438; ExAC 0.00480; TOPMed 0.00491; gnomAD exomes 0.00498 and 0.00504.
gnomAD v4.1: 7,984 of 1,613,692 alleles (0.49%); highest among the groups gnomAD compares: Middle Eastern, 1.7%; 40 homozygotes.

Submissions (9):

CeGaT Center for Human Genetics Tuebingen
Classification: Likely benign. Last evaluated: 2026-07-01. Review status: criteria provided, single submitter. Criteria: CeGaT Center For Human Genetics Tuebingen Variant Classification Criteria Version 2. Collection method: clinical testing. Allele origin: germline. Affected: yes. Observed: 7 variant alleles.
Comment: MYH3: BP4, BP7, BS2

Labcorp Genetics (formerly Invitae), Labcorp
Classification: Benign. Last evaluated: 2026-02-04. Review status: criteria provided, single submitter. Criteria: Invitae Variant Classification Sherloc (09022015). Collection method: clinical testing. Allele origin: germline.

GeneDx
Classification: Benign. Last evaluated: 2020-07-10. Review status: criteria provided, single submitter. Criteria: GeneDx Variant Classification Process June 2021. Collection method: clinical testing. Allele origin: germline. Affected: yes.

Illumina Laboratory Services, Illumina
Classification: Benign for Freeman-Sheldon syndrome. Last evaluated: 2018-01-13. Review status: criteria provided, single submitter. Criteria: ICSL Variant Classification Criteria 13 December 2019. Collection method: clinical testing. Allele origin: germline.
Comment: This variant was observed in the ICSL laboratory as part of a predisposition screen in an ostensibly healthy population. It had not been previously curated by ICSL or reported in the Human Gene Mutation Database (HGMD: prior to June 1st, 2018), and was therefore a candidate for classification through an automated scoring system. Utilizing variant allele frequency, disease prevalence and penetrance estimates, and inheritance mode, an automated score was calculated to assess if this variant is too frequent to cause the disease. Based on the score and internal cut-off values, a variant classified as benign is not then subjected to further curation. The score for this variant resulted in a classification of benign for this disease.

Illumina Laboratory Services, Illumina
Classification: Likely benign for Distal arthrogryposis type 2B1. Last evaluated: 2018-01-13. Review status: criteria provided, single submitter. Criteria: ICSL Variant Classification Criteria 13 December 2019. Collection method: clinical testing. Allele origin: germline.
Comment: This variant was observed in the ICSL laboratory as part of a predisposition screen in an ostensibly healthy population. It had not been previously curated by ICSL or reported in the Human Gene Mutation Database (HGMD: prior to June 1st, 2018), and was therefore a candidate for classification through an automated scoring system. Utilizing variant allele frequency, disease prevalence and penetrance estimates, and inheritance mode, an automated score was calculated to assess if this variant is too frequent to cause the disease. Based on the score and internal cut-off values, a variant classified as likely benign is not then subjected to further curation. The score for this variant resulted in a classification of likely benign for this disease.

Breakthrough Genomics
Classification: Likely benign. Review status: criteria provided, single submitter. Criteria: ACMG Guidelines, 2015. Collection method: not provided. Allele origin: germline. Inheritance: Autosomal recessive inheritance. Affected: yes.

PreventionGenetics, part of Exact Sciences
Classification: Likely benign. Review status: criteria provided, single submitter. Criteria: ACMG Guidelines, 2015. Collection method: clinical testing. Allele origin: germline.

Clinical Genetics DNA and cytogenetics Diagnostics Lab, Erasmus MC, Erasmus Medical Center
Classification: Likely benign. Review status: no assertion criteria provided. Collection method: clinical testing. Allele origin: germline. Affected: yes. Study: VKGL Data-share Consensus. Not counted in ClinVar's aggregate classification.

Genome Diagnostics Laboratory, University Medical Center Utrecht
Classification: Likely benign. Review status: no assertion criteria provided. Collection method: clinical testing. Allele origin: germline. Affected: yes. Study: VKGL Data-share Consensus. Not counted in ClinVar's aggregate classification.